The following is an entry in ClinVar:

NM_006231.4(POLE):c.3839_3841del (p.Gln1280del)

Gene: POLE (DNA polymerase epsilon, catalytic subunit; minus strand). Cytogenetic location: 12q24.33.
Variant type: Deletion.
Coding change: c.3839_3841del on transcript NM_006231.4 (MANE Select); coding-DNA positions 3839 to 3841, 3 bases deleted (AGC; older notation c.3839_3841delAGC).
Protein change: p.Gln1280del; deletes glutamine 1280.
Molecular consequence: inframe deletion.
Genome position (GRCh38, 1-based): chr12:132,649,470-132,649,472, GCT deleted on the plus strand (AGC on the coding strand, the reverse complement: POLE is on the minus strand); deleting any 3 consecutive bases within chr12:132,649,470-132,649,474 gives the same sequence; the c. name uses the placement nearest the transcript's 3' end. VCF-style (leftmost placement, unchanged base first): chr12-132649469-AGCT-A. GRCh37 (hg19) VCF-style: chr12-133226055-AGCT-A.
Other names: short protein forms Q1280del.
Identifiers: ClinVar variation 4713878 (VCV004713878.1).

ClinVar aggregate classification (germline): Uncertain significance (1 of 4 stars; one submission).

Submission:

Labcorp Genetics (formerly Invitae), Labcorp
Classification: Uncertain significance. Last evaluated: 2025-02-26. Review status: criteria provided, single submitter. Criteria: Invitae Variant Classification Sherloc (09022015). Collection method: clinical testing. Allele origin: germline.
Comment: This variant, c.3839_3841del, results in the deletion of 1 amino acid(s) of the POLE protein (p.Gln1280del), but otherwise preserves the integrity of the reading frame. This variant is not present in population databases (gnomAD no frequency). This variant has not been reported in the literature in individuals affected with POLE-related conditions. Experimental studies and prediction algorithms are not available or were not evaluated, and the functional significance of this variant is currently unknown. In summary, the available evidence is currently insufficient to determine the role of this variant in disease. Therefore, it has been classified as a Variant of Uncertain Significance.